The following is an entry in ClinVar:

ClinVar aggregate classification (germline): Uncertain significance (1 of 4 stars; one submission).

Allele frequency attached by ClinVar (database versions not stated): gnomAD exomes below 0.00001.
gnomAD v4.1: 1 of 1,550,520 alleles (0.000064%); highest among the groups gnomAD compares: Non-Finnish European, 0.000087%; no homozygotes.

Submission:

Labcorp Genetics (formerly Invitae), Labcorp
Classification: Uncertain significance. Last evaluated: 2022-09-23. Review status: criteria provided, single submitter. Criteria: Invitae Variant Classification Sherloc (09022015). Collection method: clinical testing. Allele origin: germline.
Comment: This sequence change replaces leucine, which is neutral and non-polar, with valine, which is neutral and non-polar, at codon 15 of the FBLN5 protein (p.Leu15Val). This variant is not present in population databases (gnomAD no frequency). This variant has not been reported in the literature in individuals affected with FBLN5-related conditions. Algorithms developed to predict the effect of missense changes on protein structure and function output the following: SIFT: "Tolerated"; PolyPhen-2: "Benign"; Align-GVGD: "Class C0". The valine amino acid residue is found in multiple mammalian species, which suggests that this missense change does not adversely affect protein function. In summary, the available evidence is currently insufficient to determine the role of this variant in disease. Therefore, it has been classified as a Variant of Uncertain Significance.

NM_006329.4(FBLN5):c.43C>G (p.Leu15Val)

Gene: FBLN5 (fibulin 5; minus strand). Cytogenetic location: 14q32.12.
Variant type: single nucleotide variant.
Coding change: c.43C>G on transcript NM_006329.4 (MANE Select); coding-DNA position 43, C replaced by G.
Protein change: p.Leu15Val; replaces leucine 15 with valine.
Molecular consequence: missense variant. On other transcripts: 5 prime UTR variant (2).
Genome position (GRCh38, 1-based): chr14:91,942,936, G>C on the plus strand (C>G on the coding strand, the complement: FBLN5 is on the minus strand). VCF-style: chr14-91942936-G-C. GRCh37 (hg19) VCF-style: chr14-92409280-G-C.
Other names: c.43C>G, p.Leu15Val (NM_001384158.1, NM_001384160.1); c.94C>G, p.Leu32Val (NM_001384159.1); c.-227C>G (NM_001384161.1, NM_001384162.1); short protein forms L15V, L32V.
Identifiers: ClinVar variation 1720159 (VCV001720159.5), dbSNP rs2542913578, ClinGen allele CA390641470.